The following is an entry in ClinVar:

ClinVar aggregate classification (germline): Uncertain significance (1 of 4 stars; one submission).

Conditions:
Cardiomyopathy (CMYO). Also called: Cardiomyopathies. Identifiers: Orphanet 167848, MedGen C0878544, MONDO:0004994, HP:0001638. Inheritance: Various modes of inheritance.

Allele frequency attached by ClinVar (database versions not stated): gnomAD exomes below 0.00001; ExAC 0.00002.

Submission:

Color Diagnostics, LLC DBA Color Health
Classification: Uncertain significance for Cardiomyopathy. Last evaluated: 2024-03-06. Review status: criteria provided, single submitter. Criteria: ACMG Guidelines, 2015. Collection method: clinical testing. Allele origin: germline.
Comment: This missense variant replaces histidine with arginine at codon 29 of the RYR2 protein. Computational prediction is inconclusive regarding the impact of this variant on protein structure and function (internally defined REVEL score threshold 0.5 < inconclusive < 0.7, PMID: 27666373). To our knowledge, functional studies have not been reported for this variant. This variant has not been reported in individuals affected with cardiovascular disorders in the literature. This variant has been identified in 2/222146 chromosomes in the general population by the Genome Aggregation Database (gnomAD). The available evidence is insufficient to determine the role of this variant in disease conclusively. Therefore, this variant is classified as a Variant of Uncertain Significance.

NM_001035.3(RYR2):c.86A>G (p.His29Arg)

Gene: RYR2 (ryanodine receptor 2; plus strand). Cytogenetic location: 1q43.
Variant type: single nucleotide variant.
Coding change: c.86A>G on transcript NM_001035.3 (MANE Select); coding-DNA position 86, A replaced by G.
Protein change: p.His29Arg; replaces histidine 29 with arginine.
Molecular consequence: missense variant.
Genome position (GRCh38, 1-based): chr1:237,270,534, A>G. VCF-style: chr1-237270534-A-G. GRCh37 (hg19) VCF-style: chr1-237433834-A-G.
Other names: short protein forms H29R.
Identifiers: ClinVar variation 2774230 (VCV002774230.2), dbSNP rs780931894, ClinGen allele CA087703.